The following is an entry in ClinVar:

ClinVar aggregate classification (germline): Uncertain significance (1 of 4 stars; one submission).

Conditions:
Charcot-Marie-Tooth Neuropathy X. Identifiers: MedGen CN118851.

Submission:

Labcorp Genetics (formerly Invitae), Labcorp
Classification: Uncertain significance for Charcot-Marie-Tooth Neuropathy X. Last evaluated: 2024-06-19. Review status: criteria provided, single submitter. Criteria: Invitae Variant Classification Sherloc (09022015). Collection method: clinical testing. Allele origin: germline.
Comment: This sequence change replaces glycine, which is neutral and non-polar, with serine, which is neutral and polar, at codon 257 of the GJB1 protein (p.Gly257Ser). This variant is not present in population databases (gnomAD no frequency). This variant has not been reported in the literature in individuals affected with GJB1-related conditions. An algorithm developed to predict the effect of missense changes on protein structure and function (PolyPhen-2) suggests that this variant is likely to be tolerated. In summary, the available evidence is currently insufficient to determine the role of this variant in disease. Therefore, it has been classified as a Variant of Uncertain Significance.

NM_000166.6(GJB1):c.769G>A (p.Gly257Ser)

Gene: GJB1 (gap junction protein beta 1; plus strand). Cytogenetic location: Xq13.1.
Variant type: single nucleotide variant.
Coding change: c.769G>A on transcript NM_000166.6 (MANE Select); coding-DNA position 769, G replaced by A.
Protein change: p.Gly257Ser; replaces glycine 257 with serine.
Molecular consequence: missense variant.
Genome position (GRCh38, 1-based): chrX:71,224,476, G>A. VCF-style: chrX-71224476-G-A. GRCh37 (hg19) VCF-style: chrX-70444326-G-A.
Other names: c.769G>A, p.Gly257Ser (NM_001097642.3); short protein forms G257S.
Identifiers: ClinVar variation 3657052 (VCV003657052.2).